The following is an entry in ClinVar:

NM_005592.4(MUSK):c.1778+114AT[9]

Gene: MUSK (muscle associated receptor tyrosine kinase; plus strand). Cytogenetic location: 9q31.3.
Variant type: Microsatellite.
Coding change: c.1778+114AT[9] on transcript NM_005592.4 (MANE Select); nine copies in a row of the 2-base unit AT starting at c.1778+114; the reference has eight copies in a row; one copy, 2 bases duplicated.
Molecular consequence: intron variant.
Genome position (GRCh38, 1-based): chr9:110,785,846-110,785,847, AT duplicated; duplicating any 2 consecutive bases within chr9:110,785,832-110,785,847 gives the same sequence; the position shown is the placement nearest the transcript's 3' end. VCF-style (leftmost placement, unchanged base first): chr9-110785831-C-CAT. GRCh37 (hg19) VCF-style: chr9-113548111-C-CAT.
Other names: c.1520+114AT[9] (NM_001166280.2); c.1490+114AT[9] (NM_001166281.2); c.518+114AT[9] (NM_001369398.1).
Identifiers: ClinVar variation 1704090 (VCV001704090.2), dbSNP rs60715454, ClinGen allele CA198357896.
Genomic context (GRCh38, chr9:110,785,831, plus strand): 5'-AGCTACCAAACTATTAGCTTGGTATATATATAATATTAGCTTTATATATATATACACACA[C>CAT]ATATATATATATATATCAAGCTAATGATATAGTACATATATATGTACACTGTGTGTGTAT-3'

ClinVar aggregate classification (germline): Likely benign (1 of 4 stars; one submission).

Submission:

GeneDx
Classification: Likely benign. Last evaluated: 2021-05-21. Review status: criteria provided, single submitter. Criteria: GeneDx Variant Classification Process June 2021. Collection method: clinical testing. Allele origin: germline. Affected: yes.
Comment: See Variant Classification Assertion Criteria.